The following is an entry in ClinVar:

NM_030662.4(MAP2K2):c.1120G>A (p.Val374Met)

Gene: MAP2K2 (mitogen-activated protein kinase kinase 2; minus strand). Cytogenetic location: 19p13.3.
Variant type: single nucleotide variant.
Coding change: c.1120G>A on transcript NM_030662.4 (MANE Select); coding-DNA position 1120, G replaced by A.
Protein change: p.Val374Met; replaces valine 374 with methionine.
Molecular consequence: missense variant.
Genome position (GRCh38, 1-based): chr19:4,090,681, C>T on the plus strand (G>A on the coding strand, the complement: MAP2K2 is on the minus strand). VCF-style: chr19-4090681-C-T. GRCh37 (hg19) VCF-style: chr19-4090679-C-T.
Other names: short protein forms V374M.
Identifiers: ClinVar variation 2622926 (VCV002622926.3), dbSNP rs2512299697, ClinGen allele CA403381087.
Genomic context (GRCh38, chr19:4,090,681, plus strand): 5'-TGCCGGGCTGGTTCAGCCGCAGGGTTTTACACAACCAGCCGGCAAAATCCACTTCTTCCA[C>T]CTCGGACCGCTTGATGAAGGTGTGGTTCTGCAAGGAAAGGGGAGCCGTGAGCACCCGGGC-3'
Protein context (NP_109587.1, residues 364-384): TNHTFIKRSE[Val374Met]EEVDFAGWLC

ClinVar aggregate classification (germline): Uncertain significance. Review status: criteria provided, multiple submitters, no conflicts (2 of 4 stars). 2 submissions from 2 submitters: Uncertain significance (2). Last evaluated 2025-05-11.

Conditions:
RASopathy. Also called: Noonan spectrum disorder; rasopathies. Identifiers: Orphanet 536391, MedGen C5555857, MONDO:0021060.
Cardiovascular phenotype. Identifiers: MedGen CN230736.

Allele frequency attached by ClinVar (database versions not stated): gnomAD exomes below 0.00001.
gnomAD v4.1: 1 of 1,559,016 alleles (0.000064%); highest among the groups gnomAD compares: African/African-American, 0.0014%; no homozygotes.

Submissions (2):

Labcorp Genetics (formerly Invitae), Labcorp
Classification: Uncertain significance for RASopathy. Last evaluated: 2025-05-11. Review status: criteria provided, single submitter. Criteria: Invitae Variant Classification Sherloc (09022015). Collection method: clinical testing. Allele origin: germline.
Comment: This sequence change replaces valine, which is neutral and non-polar, with methionine, which is neutral and non-polar, at codon 374 of the MAP2K2 protein (p.Val374Met). This variant is not present in population databases (gnomAD no frequency). This variant has not been reported in the literature in individuals affected with MAP2K2-related conditions. ClinVar contains an entry for this variant (Variation ID: 2622926). Invitae Evidence Modeling of protein sequence and biophysical properties (such as structural, functional, and spatial information, amino acid conservation, physicochemical variation, residue mobility, and thermodynamic stability) indicates that this missense variant is not expected to disrupt MAP2K2 protein function with a negative predictive value of 95%. In summary, the available evidence is currently insufficient to determine the role of this variant in disease. Therefore, it has been classified as a Variant of Uncertain Significance.

Ambry Genetics
Classification: Uncertain significance for Cardiovascular phenotype. Last evaluated: 2023-09-12. Review status: criteria provided, single submitter. Criteria: Ambry Variant Classification Scheme 2023. Collection method: clinical testing. Allele origin: germline.